The following is an entry in ClinVar:

NM_000051.4(ATM):c.940A>C (p.Asn314His)

Gene: ATM (ATM serine/threonine kinase; plus strand). Cytogenetic location: 11q22.3.
Variant type: single nucleotide variant.
Coding change: c.940A>C on transcript NM_000051.4 (MANE Select); coding-DNA position 940, A replaced by C.
Protein change: p.Asn314His; replaces asparagine 314 with histidine.
Molecular consequence: missense variant.
Genome position (GRCh38, 1-based): chr11:108,247,002, A>C. VCF-style: chr11-108247002-A-C. GRCh37 (hg19) VCF-style: chr11-108117729-A-C.
Other names: c.940A>C, p.Asn314His (NM_001351834.2); short protein forms N314H.
Identifiers: ClinVar variation 949407 (VCV000949407.9), dbSNP rs2079880133, ClinGen allele CA382530766.

ClinVar aggregate classification (germline): Uncertain significance (1 of 4 stars; one submission).

Conditions:
Ataxia-telangiectasia syndrome (AT). Also called: LOUIS-BAR SYNDROME; Ataxia telangiectasia (A-T); Cerebello-oculocutaneous telangiectasia; Immunodeficiency with ataxia telangiectasia; ATAXIA-TELANGIECTASIA, COMPLEMENTATION GROUP A; ATAXIA-TELANGIECTASIA, FRESNO VARIANT. Identifiers: Orphanet 100, MedGen C0004135, MONDO:0008840, OMIM 208900.

Submission:

Labcorp Genetics (formerly Invitae), Labcorp
Classification: Uncertain significance for Ataxia-telangiectasia syndrome. Last evaluated: 2020-04-08. Review status: criteria provided, single submitter. Criteria: Invitae Variant Classification Sherloc (09022015). Collection method: clinical testing. Allele origin: germline.
Comment: This sequence change replaces asparagine with histidine at codon 314 of the ATM protein (p.Asn314His). The asparagine residue is moderately conserved and there is a small physicochemical difference between asparagine and histidine. This variant is not present in population databases (ExAC no frequency). This variant has not been reported in the literature in individuals with ATM-related conditions. Algorithms developed to predict the effect of missense changes on protein structure and function are either unavailable or do not agree on the potential impact of this missense change (SIFT: "Tolerated"; PolyPhen-2: "Possibly Damaging"; Align-GVGD: "Class C0"). In summary, the available evidence is currently insufficient to determine the role of this variant in disease. Therefore, it has been classified as a Variant of Uncertain Significance.